The following is an entry in ClinVar:

ClinVar aggregate classification (germline): Uncertain significance (1 of 4 stars; one submission).

Conditions:
TOPORS-related disorder. Also called: TOPORS-related condition.

gnomAD v4.1: 2 of 1,614,156 alleles (0.00012%); highest among the groups gnomAD compares: East Asian, 0.0045%; no homozygotes.

Submission:

PreventionGenetics, part of Exact Sciences
Classification: Uncertain significance for TOPORS-related condition. Last evaluated: 2026-06-23. Review status: criteria provided, single submitter. Criteria: ACMG Guidelines, 2015. Collection method: clinical testing. Allele origin: germline.
Comment: The TOPORS c.1558C>A variant is predicted to result in the amino acid substitution p.Gln520Lys. To our knowledge, this variant has not been reported in the literature. This variant is present in 0.0054% of alleles in individuals of East Asian descent in gnomAD. At this time, the clinical significance of this variant is uncertain due to the absence of conclusive functional and genetic evidence.

NM_005802.5(TOPORS):c.1558C>A (p.Gln520Lys)

Gene: TOPORS (TOP1 binding arginine/serine rich protein, E3 ubiquitin ligase; minus strand). Cytogenetic location: 9p21.1.
Variant type: single nucleotide variant.
Coding change: c.1558C>A on transcript NM_005802.5 (MANE Select); coding-DNA position 1558, C replaced by A.
Protein change: p.Gln520Lys; replaces glutamine 520 with lysine.
Molecular consequence: missense variant.
Genome position (GRCh38, 1-based): chr9:32,542,967, G>T on the plus strand (C>A on the coding strand, the complement: TOPORS is on the minus strand). VCF-style: chr9-32542967-G-T. GRCh37 (hg19) VCF-style: chr9-32542965-G-T.
Other names: c.1363C>A, p.Gln455Lys (NM_001195622.2); short protein forms Q520K, Q455K.
Identifiers: ClinVar variation 4982797 (VCV004982797.1).